The following is an entry in ClinVar:

NC_000002.11:g.(?_163123710)_(163174817_?)dup

Gene: IFIH1 (interferon induced with helicase C domain 1; minus strand). Cytogenetic location: 2q24.2.
Variant type: Duplication.
Identifiers: ClinVar variation 1450005 (VCV001450005.5).

ClinVar aggregate classification (germline): Uncertain significance (1 of 4 stars; one submission).

Conditions:
Aicardi-Goutieres syndrome 7 (AGS7). Identifiers: Orphanet 51, MedGen C3888244, MONDO:0014367, OMIM 615846.
Singleton-Merten syndrome 1 (SGMRT1). Also called: Widened medullary cavities of bone, aortic calcification, abnormal dentition, and muscular weakness; Syndrome of widened medullary cavities of the metacarpals and phalanges, aortic calcification and abnormal dentition. Identifiers: Orphanet 85191, MedGen C4225427, MONDO:0024535, OMIM 182250.

Submission:

Labcorp Genetics (formerly Invitae), Labcorp
Classification: Uncertain significance for Aicardi-Goutieres syndrome 7; Singleton-Merten syndrome 1. Last evaluated: 2023-11-27. Review status: criteria provided, single submitter. Criteria: Invitae Variant Classification Sherloc (09022015). Collection method: clinical testing. Allele origin: germline.
Comment: A copy number gain of the genomic region encompassing the full coding sequence of the IFIH1 gene has been identified. The boundaries of this event are unknown as they extend beyond the assayed region for this gene and therefore may encompass additional genes. As the precise location of this event is unknown, it may be in tandem or it may be located elsewhere in the genome. This variant has not been reported in the literature in individuals affected with IFIH1-related conditions. In summary, the available evidence is currently insufficient to determine the role of this variant in disease. Therefore, it has been classified as a Variant of Uncertain Significance.